The following is an entry in ClinVar:

ClinVar aggregate classification (germline): Uncertain significance. Review status: criteria provided, multiple submitters, no conflicts (2 of 4 stars). 3 submissions from 3 submitters: Uncertain significance (3). Last evaluated 2024-03-20.

Conditions:
Hereditary cancer-predisposing syndrome. Also called: Hereditary Cancer Syndrome; Neoplastic Syndromes, Hereditary; Hereditary neoplastic syndrome; Tumor predisposition. Identifiers: Orphanet 140162, MedGen C0027672, MeSH D009386, MONDO:0015356.
Aplastic anemia. Identifiers: Orphanet 182040, Orphanet 88, MedGen C0002874, MONDO:0015909, OMIM 609135, HP:0001915.
Microcephaly, normal intelligence and immunodeficiency (NBS). Also called: IMMUNODEFICIENCY, MICROCEPHALY, AND CHROMOSOMAL INSTABILITY; SEEMANOVA SYNDROME II; Nijmegen breakage syndrome; Microcephaly with normal intelligence immunodeficiency and lymphoreticular malignancies; Nonsyndromal microcephaly autosomal recessive with normal intelligence; Seemanova syndrome 2. Identifiers: Orphanet 647, MedGen C0398791, MONDO:0009623, OMIM 251260.

Allele frequency attached by ClinVar (database versions not stated): TOPMed below 0.00001.

Submissions (3):

Baylor Genetics
Classification: Uncertain significance for Aplastic anemia. Last evaluated: 2024-03-20. Review status: criteria provided, single submitter. Criteria: ACMG Guidelines, 2015. Collection method: clinical testing. Allele origin: unknown.

Ambry Genetics
Classification: Uncertain significance for Hereditary cancer-predisposing syndrome. Last evaluated: 2023-09-25. Review status: criteria provided, single submitter. Criteria: Ambry Variant Classification Scheme 2023. Collection method: clinical testing. Allele origin: germline.
Comment: The p.K549I variant (also known as c.1646A>T), located in coding exon 11 of the NBN gene, results from an A to T substitution at nucleotide position 1646. The lysine at codon 549 is replaced by isoleucine, an amino acid with dissimilar properties. This amino acid position is conserved. In addition, this alteration is predicted to be tolerated by in silico analysis. Since supporting evidence is limited at this time, the clinical significance of this alteration remains unclear.

Labcorp Genetics (formerly Invitae), Labcorp
Classification: Uncertain significance for Microcephaly, normal intelligence and immunodeficiency. Last evaluated: 2023-09-23. Review status: criteria provided, single submitter. Criteria: Invitae Variant Classification Sherloc (09022015). Collection method: clinical testing. Allele origin: germline.
Comment: In summary, the available evidence is currently insufficient to determine the role of this variant in disease. Therefore, it has been classified as a Variant of Uncertain Significance. An algorithm developed to predict the effect of missense changes on protein structure and function (PolyPhen-2) suggests that this variant is likely to be disruptive. ClinVar contains an entry for this variant (Variation ID: 1986072). This variant has not been reported in the literature in individuals affected with NBN-related conditions. This variant is not present in population databases (gnomAD no frequency). This sequence change replaces lysine, which is basic and polar, with isoleucine, which is neutral and non-polar, at codon 549 of the NBN protein (p.Lys549Ile).

NM_002485.5(NBN):c.1646A>T (p.Lys549Ile)

Gene: NBN (nibrin; minus strand). Cytogenetic location: 8q21.3.
Variant type: single nucleotide variant.
Coding change: c.1646A>T on transcript NM_002485.5 (MANE Select); coding-DNA position 1646, A replaced by T.
Protein change: p.Lys549Ile; replaces lysine 549 with isoleucine.
Molecular consequence: missense variant.
Genome position (GRCh38, 1-based): chr8:89,953,443, T>A on the plus strand (A>T on the coding strand, the complement: NBN is on the minus strand). VCF-style: chr8-89953443-T-A. GRCh37 (hg19) VCF-style: chr8-90965671-T-A.
Other names: c.1400A>T, p.Lys467Ile (NM_001024688.3); short protein forms K549I, K467I.
Identifiers: ClinVar variation 1986072 (VCV001986072.5), dbSNP rs1810540789, ClinGen allele CA371655409.
Genomic context (GRCh38, chr8:89,953,443, plus strand): 5'-TCCTTGAATAACTGTTCCAATACTTCATCTTCTATGGCCACATCATCCATTTCCCTTTTT[T>A]TATTTGATCTTAGCTTTTCTGCAGCATGAGATTTACTGGCAGAATTTTTCACAATAGATT-3'
Protein context (NP_002476.2, residues 539-559): SHAAEKLRSN[Lys549Ile]KREMDDVAIE